The following is an entry in ClinVar:

ClinVar aggregate classification (germline): Pathogenic (1 of 4 stars; one submission).

Submission:

Quest Diagnostics Nichols Institute San Juan Capistrano
Classification: Pathogenic. Last evaluated: 2023-09-15. Review status: criteria provided, single submitter. Criteria: ACMG/ClinGen CNV Guidelines, 2019. Collection method: clinical testing. Allele origin: unknown.
Comment: This loss involves multiple exons (NM_006940.6) of the 3' portion of SOX5 (OMIM 604975). Haploinsufficiency of SOX5 is associated with autosomal dominant Lamb-Shaffer syndrome (LAMSHF; OMIM 616803), and similar heterozygous deletions of the 3' portion of SOX5 have been reported in individuals with features of LAMSHF (Innella 2021, Lamb 2012, Zawerton 2020). There are no similar copy number losses of this region in the general populations of the Database of Genomic Variants. Thus, this copy number loss is interpreted as pathogenic. References: Innella et al., Am J Med Genet A. 2021 Feb;185(2):608-613. PMID: 33296143; Lamb et al., Hum Mutat. 2012 Apr;33(4):728-40. PMID: 22290657; Zawerton et al., Genet Med. 2020 Mar;22(3):524-537. PMID: 31578471

GRCh37/hg19 12p12.1(chr12:23624334-23720028)x1

Gene: SOX5 (SRY-box transcription factor 5; minus strand). Cytogenetic location: 12p12.1.
Variant type: copy number loss.
Change: copy number 1 (one copy instead of two) of chr12:23,624,334-23,720,028 (95.7 kb, GRCh37 coordinates, 1-based), cytogenetic band 12p12.1.
Identifiers: ClinVar variation 3391917 (VCV003391917.1).